The following is an entry in ClinVar:

ClinVar aggregate classification (germline): Uncertain significance. Review status: criteria provided, multiple submitters, no conflicts (2 of 4 stars). 5 submissions from 5 submitters: Uncertain significance (5). Last evaluated 2023-12-18.

Conditions:
Pheochromocytoma. Also called: MAX-Related Hereditary Paraganglioma-Pheochromocytoma Syndrome. Identifiers: Orphanet 29072, MedGen C0031511, MONDO:0008233, OMIM 171300, HP:0002666.
Hirschsprung disease, susceptibility to, 1 (HSCR1). Also called: RET-Related Hirschsprung Disease. Identifiers: Orphanet 388, MedGen C3888239, MONDO:0007723, OMIM 142623.
Familial medullary thyroid carcinoma (MTC). Also called: Thyroid cancer, familial medullary; MTC, familial; Familial Medullary Thyroid Carcinoma (FMTC). Identifiers: Orphanet 653, Orphanet 99361, MedGen C1833921, MONDO:0007958, OMIM 155240.
Multiple endocrine neoplasia type 2B. Also called: WAGENMANN-FROBOESE SYNDROME; MULTIPLE ENDOCRINE NEOPLASIA, TYPE III; MEN 2B; MUCOSAL NEUROMA SYNDROME; MULTIPLE ENDOCRINE NEOPLASIA, TYPE IIB; MEN IIB. Identifiers: Orphanet 247709, Orphanet 653, MedGen C0025269, MeSH D018814, MONDO:0008082, OMIM 162300.
Multiple endocrine neoplasia type 2A. Also called: MULTIPLE ENDOCRINE NEOPLASIA, TYPE IIA; PTC SYNDROME; SIPPLE SYNDROME; MEN 2A; MEN-2A syndrome; Pheochromocytoma and amyloid producing medullary thyroid carcinoma. Identifiers: Orphanet 247698, Orphanet 653, MedGen C0025268, MeSH D018813, MONDO:0008234, OMIM 171400.
Hereditary cancer-predisposing syndrome. Also called: Tumor predisposition; Hereditary neoplastic syndrome; Neoplastic Syndromes, Hereditary; Hereditary Cancer Syndrome. Identifiers: Orphanet 140162, MedGen C0027672, MeSH D009386, MONDO:0015356.
Multiple endocrine neoplasia, type 2 (MEN2). Identifiers: Orphanet 653, MedGen C4048306, MONDO:0019003. Disease mechanism: gain of function.

Submissions (5):

All of Us Research Program, National Institutes of Health
Classification: Uncertain significance for Multiple endocrine neoplasia, type 2. Last evaluated: 2023-12-18. Review status: criteria provided, single submitter. Criteria: ACMG Guidelines, 2015. Collection method: clinical testing. Allele origin: germline. Inheritance: Autosomal dominant inheritance. Observed: 1 variant allele, 1 heterozygote.
Comment: This missense variant replaces serine with glycine at codon 434 of the RET protein. Computational prediction suggests that this variant may not impact protein structure and function (internally defined REVEL score threshold <= 0.5, PMID: 27666373). To our knowledge, functional studies have not been reported for this variant. This variant has not been reported in individuals affected with RET-related disorders in the literature. This variant has not been identified in the general population by the Genome Aggregation Database (gnomAD). The available evidence is insufficient to determine the role of this variant in disease conclusively. Therefore, this variant is classified as a Variant of Uncertain Significance.

This study involves interpretation of variants in research participants for the purpose of population health screening. Participant phenotype was not available at the time of variant classification. Additional details can be found in publication PMID: 35346344, PMCID: PMC8962531

Labcorp Genetics (formerly Invitae), Labcorp
Classification: Uncertain significance for Multiple endocrine neoplasia, type 2. Last evaluated: 2023-08-24. Review status: criteria provided, single submitter. Criteria: Invitae Variant Classification Sherloc (09022015). Collection method: clinical testing. Allele origin: germline.
Comment: In summary, the available evidence is currently insufficient to determine the role of this variant in disease. Therefore, it has been classified as a Variant of Uncertain Significance. An algorithm developed to predict the effect of missense changes on protein structure and function (PolyPhen-2) suggests that this variant is likely to be tolerated. ClinVar contains an entry for this variant (Variation ID: 198583). This variant has not been reported in the literature in individuals affected with RET-related conditions. This variant is not present in population databases (gnomAD no frequency). This sequence change replaces serine, which is neutral and polar, with glycine, which is neutral and non-polar, at codon 434 of the RET protein (p.Ser434Gly).

Ambry Genetics
Classification: Uncertain significance for Hereditary cancer-predisposing syndrome. Last evaluated: 2023-05-30. Review status: criteria provided, single submitter. Criteria: Ambry Variant Classification Scheme 2023. Collection method: clinical testing. Allele origin: germline.
Comment: The p.S434G variant (also known as c.1300A>G), located in coding exon 7 of the RET gene, results from an A to G substitution at nucleotide position 1300. The serine at codon 434 is replaced by glycine, an amino acid with similar properties. This amino acid position is not well conserved in available vertebrate species. In addition, this alteration is predicted to be tolerated by in silico analysis. Since supporting evidence is limited at this time, the clinical significance of this alteration remains unclear.

Fulgent Genetics
Classification: Uncertain significance for Hirschsprung disease, susceptibility to, 1; Familial medullary thyroid carcinoma; Multiple endocrine neoplasia type 2B; Pheochromocytoma; Multiple endocrine neoplasia type 2A. Last evaluated: 2022-05-03. Review status: criteria provided, single submitter. Criteria: ACMG Guidelines, 2015. Collection method: clinical testing. Allele origin: unknown.

Eurofins Ntd Llc (ga)
Classification: Uncertain significance. Last evaluated: 2015-05-28. Review status: criteria provided, single submitter. Criteria: EGL Classification Definitions 2015. Collection method: clinical testing. Allele origin: germline. Observed: 2 variant alleles, 2 heterozygotes.

NM_020975.6(RET):c.1300A>G (p.Ser434Gly)

Gene: RET (ret proto-oncogene; plus strand). Cytogenetic location: 10q11.21.
Variant type: single nucleotide variant.
Coding change: c.1300A>G on transcript NM_020975.6 (MANE Select); coding-DNA position 1300, A replaced by G.
Protein change: p.Ser434Gly; replaces serine 434 with glycine.
Molecular consequence: missense variant.
Genome position (GRCh38, 1-based): chr10:43,111,243, A>G. VCF-style: chr10-43111243-A-G. GRCh37 (hg19) VCF-style: chr10-43606691-A-G.
Other names: c.1300A>G, p.Ser434Gly (NM_000323.2, NM_001406743.1, NM_001406744.1 and 6 more transcripts); c.538A>G, p.Ser180Gly (NM_001355216.2); c.1171A>G, p.Ser391Gly (NM_001406761.1, NM_001406762.1, NM_001406764.1 and 1 more transcripts); c.1012A>G, p.Ser338Gly (NM_001406766.1, NM_001406767.1, NM_001406770.1); c.574A>G, p.Ser192Gly (NM_001406778.1, NM_001406775.1, NM_001406776.1 and 1 more transcripts); c.310A>G, p.Ser104Gly (NM_001406784.1); c.904A>G, p.Ser302Gly (NM_001406769.1, NM_001406772.1); c.862A>G, p.Ser288Gly (NM_001406771.1, NM_001406773.1); and 1 more; short protein forms S434G, S180G, S259G, S288G, S192G, S338G, S104G, S302G.
Identifiers: ClinVar variation 198583 (VCV000198583.23), dbSNP rs794727875, ClinGen allele CA007524.
Genomic context (GRCh38, chr10:43,111,243, plus strand): 5'-AGGTGTTCCCCTGTGCCCCCCTAGATCGGGAAAGTCTGTGTGGAAAACTGCCAGGCATTC[A>G]GTGGCATCAACGTCCAGTACAAGCTGCATTCCTCTGGTGCCAACTGCAGCACGCTAGGGG-3'
Protein context (NP_066124.1, residues 424-444): KVCVENCQAF[Ser434Gly]GINVQYKLHS